The following is an entry in ClinVar:

ClinVar aggregate classification (germline): Uncertain significance. Review status: criteria provided, multiple submitters, no conflicts (2 of 4 stars). 5 submissions from 4 submitters: Uncertain significance (5). Last evaluated 2026-07-29.

Conditions:
Autosomal dominant nonsyndromic hearing loss 22. Also called: Autosomal dominant nonsyndromic deafness 22; DFNA 22. Identifiers: Orphanet 228012, MedGen C2931767, MONDO:0011660, OMIM 606346.
Autosomal recessive nonsyndromic hearing loss 37. Identifiers: Orphanet 90636, MedGen C1843028, MONDO:0011912, OMIM 607821.
MYO6-related disorder. Also called: MYO6-related condition; MYO6-related disorders.

Allele frequency attached by ClinVar (database versions not stated): gnomAD 0.00001; ExAC 0.00002; gnomAD exomes 0.00002; TOPMed 0.00002; ESP Exome Variant Server 0.00008.
gnomAD v4.1: 18 of 1,613,488 alleles (0.0011%); highest among the groups gnomAD compares: African/African-American, 0.004%; 1 homozygote.

Submissions (5):

PreventionGenetics, part of Exact Sciences
Classification: Uncertain significance for MYO6-related condition. Last evaluated: 2026-07-29. Review status: criteria provided, single submitter. Criteria: ACMG Guidelines, 2015. Collection method: clinical testing. Allele origin: germline.
Comment: The MYO6 c.1049T>C variant is predicted to result in the amino acid substitution p.Ile350Thr. This variant was reported in an individual with sensorineural hearing loss (Supplemental Table, Florentine et al. 2022. PubMed ID: 34515852). This variant is reported in 0.012% of alleles in individuals of African descent in gnomAD. At this time, the clinical significance of this variant is uncertain due to the absence of conclusive functional and genetic evidence.

GeneDx
Classification: Uncertain significance. Last evaluated: 2025-09-02. Review status: criteria provided, single submitter. Criteria: GeneDx Variant Classification Process June 2021. Collection method: clinical testing. Allele origin: germline. Affected: yes.
Comment: Reported in a patient with sensorineural hearing loss in published literature (PMID: 34515852); In silico analysis supports that this missense variant has a deleterious effect on protein structure/function; This variant is associated with the following publications: (PMID: 34515852)

Blueprint Genetics
Classification: Uncertain significance. Last evaluated: 2023-11-03. Review status: criteria provided, single submitter. Criteria: ACMG Guidelines, 2015. Collection method: clinical testing. Allele origin: germline.

Illumina Laboratory Services, Illumina
Classification: Uncertain significance for Autosomal recessive nonsyndromic hearing loss 37. Last evaluated: 2018-01-13. Review status: criteria provided, single submitter. Criteria: ICSL Variant Classification Criteria 13 December 2019. Collection method: clinical testing. Allele origin: germline.

Illumina Laboratory Services, Illumina
Classification: Uncertain significance for Autosomal dominant nonsyndromic hearing loss 22. Last evaluated: 2018-01-13. Review status: criteria provided, single submitter. Criteria: ICSL Variant Classification Criteria 13 December 2019. Collection method: clinical testing. Allele origin: germline.

NM_004999.4(MYO6):c.1049T>C (p.Ile350Thr)

Gene: MYO6 (myosin VI; plus strand). Cytogenetic location: 6q14.1.
Variant type: single nucleotide variant.
Coding change: c.1049T>C on transcript NM_004999.4 (MANE Select); coding-DNA position 1049, T replaced by C.
Protein change: p.Ile350Thr; replaces isoleucine 350 with threonine.
Molecular consequence: missense variant. On other transcripts: non-coding transcript variant (1).
Genome position (GRCh38, 1-based): chr6:75,848,502, T>C. VCF-style: chr6-75848502-T-C. GRCh37 (hg19) VCF-style: chr6-76558219-T-C.
Other names: c.1034T>C, p.Ile345Thr (NM_001368138.1); c.1049T>C, p.Ile350Thr (NM_001368865.1, NM_001368866.1, NM_001300899.2 and 2 more transcripts); short protein forms I345T, I350T.
Identifiers: ClinVar variation 908784 (VCV000908784.8), dbSNP rs377470568, ClinGen allele CA3897020.